The following is an entry in ClinVar:

NM_001903.5(CTNNA1):c.298C>A (p.Gln100Lys)

Gene: CTNNA1 (catenin alpha 1; plus strand). Cytogenetic location: 5q31.2.
Variant type: single nucleotide variant.
Coding change: c.298C>A on transcript NM_001903.5 (MANE Select); coding-DNA position 298, C replaced by A.
Protein change: p.Gln100Lys; replaces glutamine 100 with lysine.
Molecular consequence: missense variant. On other transcripts: intron variant (2).
Genome position (GRCh38, 1-based): chr5:138,783,369, C>A. VCF-style: chr5-138783369-C-A. GRCh37 (hg19) VCF-style: chr5-138119058-C-A.
Other names: c.298C>A, p.Gln100Lys (NM_001290307.3, NM_001323982.2, NM_001323983.1 and 3 more transcripts); c.-6+97C>A (NM_001290310.3); c.-9+1340C>A (NM_001290309.3); c.298C>A (NM_001903.2); short protein forms Q100K.
Identifiers: ClinVar variation 1058229 (VCV001058229.11), dbSNP rs2149656988, ClinGen allele CA361477713.
Genomic context (GRCh38, chr5:138,783,369, plus strand): 5'-GCGAAGGAGAGCCAGTTTCTCAAGGAGGAGCTTGTGGCTGCTGTAGAAGATGTTCGAAAA[C>A]AAGGTAGGTCATTACTGCTTTTTAGGTAAAGAGAGGCAGGCCTTTCTAGAAAATCAGTGT-3'
Protein context (NP_001894.2, residues 90-110): LVAAVEDVRK[Gln100Lys]GDLMKAAAGE

ClinVar aggregate classification (germline): Uncertain significance. Review status: criteria provided, multiple submitters, no conflicts (2 of 4 stars). 2 submissions from 2 submitters: Uncertain significance (2). Last evaluated 2025-09-12.

Conditions:
Hereditary cancer-predisposing syndrome. Also called: Neoplastic Syndromes, Hereditary; Hereditary Cancer Syndrome; Hereditary neoplastic syndrome; Tumor predisposition. Identifiers: Orphanet 140162, MedGen C0027672, MeSH D009386, MONDO:0015356.

Submissions (2):

Ambry Genetics
Classification: Uncertain significance for Hereditary cancer-predisposing syndrome. Last evaluated: 2025-09-12. Review status: criteria provided, single submitter. Criteria: Ambry Variant Classification Scheme 2023. Collection method: clinical testing. Allele origin: germline.
Comment: The p.Q100K variant (also known as c.298C>A), located in coding exon 2 of the CTNNA1 gene, results from a C to A substitution at nucleotide position 298. The glutamine at codon 100 is replaced by lysine, an amino acid with similar properties. This amino acid position is conserved. In addition, the in silico prediction for this alteration is inconclusive. Since supporting evidence is limited at this time, the clinical significance of this alteration remains unclear.

Labcorp Genetics (formerly Invitae), Labcorp
Classification: Uncertain significance. Last evaluated: 2024-06-02. Review status: criteria provided, single submitter. Criteria: Invitae Variant Classification Sherloc (09022015). Collection method: clinical testing. Allele origin: germline.
Comment: This sequence change replaces glutamine, which is neutral and polar, with lysine, which is basic and polar, at codon 100 of the CTNNA1 protein (p.Gln100Lys). This variant is not present in population databases (gnomAD no frequency). This variant has not been reported in the literature in individuals affected with CTNNA1-related conditions. ClinVar contains an entry for this variant (Variation ID: 1058229). Advanced modeling of protein sequence and biophysical properties (such as structural, functional, and spatial information, amino acid conservation, physicochemical variation, residue mobility, and thermodynamic stability) performed at Invitae indicates that this missense variant is not expected to disrupt CTNNA1 protein function with a negative predictive value of 80%. In summary, the available evidence is currently insufficient to determine the role of this variant in disease. Therefore, it has been classified as a Variant of Uncertain Significance.